The following is an entry in ClinVar:

NM_001146197.3(LRTM3):c.12663A>T (p.Ala4221=)

Gene: LRTM3 (leucine rich repeat transmembrane protein 3; minus strand). Cytogenetic location: 13q33.1.
Variant type: single nucleotide variant.
Coding change: c.12663A>T on transcript NM_001146197.3 (MANE Select); coding-DNA position 12663, A replaced by T.
Protein change: p.Ala4221=; no amino-acid change (alanine 4221 retained).
Molecular consequence: synonymous variant.
Genome position (GRCh38, 1-based): chr13:102,738,034, T>A on the plus strand (A>T on the coding strand, the complement: LRTM3 is on the minus strand). VCF-style: chr13-102738034-T-A. GRCh37 (hg19) VCF-style: chr13-103390384-T-A.
Identifiers: ClinVar variation 916410 (VCV000916410.40), dbSNP rs141879232, ClinGen allele CA7039196.
Genomic context (GRCh38, chr13:102,738,034, plus strand): 5'-TTCAACTTCGTGATCCATTTTCCCTTGCTCTTTGTCTTCTCTATCAACCTTTTCTTGTCC[T>A]GCACCTCTTCTGTCCTCTTTCCCTTGCTCCTCACCTTCTCTGTCCTCTTTCCCTTGCTCC-3'
Protein context (NP_001139669.1, residues 4211-4231): EEQGKEDRRG[Ala4221=]GQEKVDREDK

ClinVar aggregate classification (germline): Likely benign. Review status: criteria provided, multiple submitters, no conflicts (2 of 4 stars). 2 submissions from 2 submitters: Likely benign (2). Last evaluated 2024-10-01.

Allele frequency attached by ClinVar (database versions not stated): 1000 Genomes Project 30x 0.00187; 1000 Genomes Project 0.00240; ESP Exome Variant Server 0.00307; gnomAD 0.00335 and 0.00339; TOPMed 0.00350; gnomAD exomes 0.00358 and 0.00418; ExAC 0.00460.
gnomAD v4.1: 6,410 of 1,550,714 alleles (0.41%); highest among the groups gnomAD compares: Middle Eastern, 0.89%; 16 homozygotes.

Submissions (2):

CeGaT Center for Human Genetics Tuebingen
Classification: Likely benign. Last evaluated: 2024-10-01. Review status: criteria provided, single submitter. Criteria: CeGaT Center For Human Genetics Tuebingen Variant Classification Criteria Version 2. Collection method: clinical testing. Allele origin: germline. Affected: yes. Observed: 3 variant alleles.
Comment: LRTM3: BP4, BP7, BS2

Breakthrough Genomics
Classification: Likely benign. Review status: criteria provided, single submitter. Criteria: ACMG Guidelines, 2015. Collection method: not provided. Allele origin: germline. Inheritance: Unknown mechanism. Affected: yes.